The following is an entry in ClinVar:

ClinVar aggregate classification (germline): Uncertain significance (1 of 4 stars; one submission).

Conditions:
GCNT2-related disorder. Also called: GCNT2-related condition.

gnomAD v4.1: 111 of 1,614,192 alleles (0.0069%); highest among the groups gnomAD compares: Non-Finnish European, 0.0088%; 2 homozygotes.

Submission:

PreventionGenetics, part of Exact Sciences
Classification: Uncertain significance for GCNT2-related condition. Last evaluated: 2024-11-03. Review status: criteria provided, single submitter. Criteria: ACMG Guidelines, 2015. Collection method: clinical testing. Allele origin: germline.
Comment: The GCNT2 c.31T>C variant is predicted to result in the amino acid substitution p.Phe11Leu. In the transcript that is specific to the lens of the eye (NM_001491.2), this variant is found within an intronic region (c.919+28678T>C). To our knowledge, this variant has not been reported in the literature. This variant is reported in 0.018% of alleles in individuals of European (Non-Finnish) descent in gnomAD. At this time, the clinical significance of this variant is uncertain due to the absence of conclusive functional and genetic evidence.

NM_145649.5(GCNT2):c.926-35331T>C

Gene: GCNT2 (glucosaminyl (N-acetyl) transferase 2 (I blood group); plus strand). Cytogenetic location: 6p24.3.
Variant type: single nucleotide variant.
Coding change: c.926-35331T>C on transcript NM_145649.5 (MANE Select); 35331 bases into the intron before coding-DNA position 926, T replaced by C.
Molecular consequence: intron variant. On other transcripts: missense variant (1).
Genome position (GRCh38, 1-based): chr6:10,586,020, T>C. VCF-style: chr6-10586020-T-C. GRCh37 (hg19) VCF-style: chr6-10586253-T-C.
Other names: c.31T>C, p.Phe11Leu (NM_145655.4); c.926-35331T>C (NM_001374747.1); c.919+28678T>C (NM_001491.3); short protein forms F11L.
Identifiers: ClinVar variation 4989889 (VCV004989889.1).
Genomic context (GRCh38, chr6:10,586,020, plus strand): 5'-AGAGATTGTTTCCCCAGGGAAGTGAAAATAATGAACTTTTGGAGGTACTGCTTTTTTGCT[T>C]TCACTCTGCTCAGCGTGGTCATTTTTGTGAGATTTTACAGTAGCCAATTGAGCCCGCCAA-3'